The following is an entry in ClinVar:

NM_001123385.2(BCOR):c.3257A>G (p.Asn1086Ser)

Gene: BCOR (BCL6 corepressor; minus strand). Cytogenetic location: Xp11.4.
Variant type: single nucleotide variant.
Coding change: c.3257A>G on transcript NM_001123385.2 (MANE Select); coding-DNA position 3257, A replaced by G.
Protein change: p.Asn1086Ser; replaces asparagine 1086 with serine.
Molecular consequence: missense variant.
Genome position (GRCh38, 1-based): chrX:40,064,581, T>C on the plus strand (A>G on the coding strand, the complement: BCOR is on the minus strand). VCF-style: chrX-40064581-T-C. GRCh37 (hg19) VCF-style: chrX-39923834-T-C.
Other names: c.3257A>G, p.Asn1086Ser (NM_001123383.2, NM_017745.6); c.3203A>G, p.Asn1068Ser (NM_001123384.2); short protein forms N1068S, N1086S.
Identifiers: ClinVar variation 3375898 (VCV003375898.1).

ClinVar aggregate classification (germline): Uncertain significance (1 of 4 stars; one submission).

Submission:

GeneDx
Classification: Uncertain significance. Last evaluated: 2024-05-02. Review status: criteria provided, single submitter. Criteria: GeneDx Variant Classification Process June 2021. Collection method: clinical testing. Allele origin: germline. Affected: yes.
Comment: Not observed at significant frequency in large population cohorts (gnomAD); In silico analysis indicates that this missense variant does not alter protein structure/function; Has not been previously published as pathogenic or benign to our knowledge